The following is an entry in ClinVar:

NM_020693.4(DSCAML1):c.268T>G (p.Ser90Ala)

Gene: DSCAML1 (DS cell adhesion molecule like 1; minus strand). Cytogenetic location: 11q23.3.
Variant type: single nucleotide variant.
Coding change: c.268T>G on transcript NM_020693.4 (MANE Select); coding-DNA position 268, T replaced by G.
Protein change: p.Ser90Ala; replaces serine 90 with alanine.
Molecular consequence: missense variant. On other transcripts: 5 prime UTR variant (1).
Genome position (GRCh38, 1-based): chr11:117,780,589, A>C on the plus strand (T>G on the coding strand, the complement: DSCAML1 is on the minus strand). VCF-style: chr11-117780589-A-C. GRCh37 (hg19) VCF-style: chr11-117651304-A-C.
Other names: c.268T>G, p.Ser90Ala (NM_001367904.1); c.-141T>G (NM_001367905.1); short protein forms S90A.
Identifiers: ClinVar variation 2815073 (VCV002815073.3), dbSNP rs762794152, ClinGen allele CA6297612.

ClinVar aggregate classification (germline): Uncertain significance (1 of 4 stars; one submission).

Allele frequency attached by ClinVar (database versions not stated): TOPMed below 0.00001; ExAC 0.00001; gnomAD 0.00001.
gnomAD v4.1: 6 of 1,581,016 alleles (0.00038%); highest among the groups gnomAD compares: Admixed American, 0.0018%; no homozygotes.

Submission:

Labcorp Genetics (formerly Invitae), Labcorp
Classification: Uncertain significance. Last evaluated: 2023-08-04. Review status: criteria provided, single submitter. Criteria: Invitae Variant Classification Sherloc (09022015). Collection method: clinical testing. Allele origin: germline.
Comment: In summary, the available evidence is currently insufficient to determine the role of this variant in disease. Therefore, it has been classified as a Variant of Uncertain Significance. An algorithm developed to predict the effect of missense changes on protein structure and function (PolyPhen-2) suggests that this variant is likely to be disruptive. This variant has not been reported in the literature in individuals affected with DSCAML1-related conditions. This variant is present in population databases (rs762794152, gnomAD 0.0009%). This sequence change replaces serine, which is neutral and polar, with alanine, which is neutral and non-polar, at codon 150 of the DSCAML1 protein (p.Ser150Ala).